The following is an entry in ClinVar:

NC_000004.12:g.83284814G>A

Genes: COQ2 (coenzyme Q2, polyprenyltransferase; minus strand), LOC112997540 (Sharpr-MPRA regulatory region 13773; plus strand). Cytogenetic location: 4q21.23.
Variant type: single nucleotide variant.
Molecular consequence: missense variant (on NM_015697.9).
Genome position: GRCh38 VCF-style: chr4-83284814-G-A. GRCh37 (hg19) VCF-style: chr4-84205967-G-A.
Other names: c.101C>T, p.Ala34Val (NM_015697.9); short protein forms A34V.
Identifiers: ClinVar variation 1903476 (VCV001903476.4), dbSNP rs1293970172, ClinGen allele CA357231347.

ClinVar aggregate classification (germline): Uncertain significance (1 of 4 stars; one submission).

Allele frequency attached by ClinVar (database versions not stated): gnomAD exomes below 0.00001.
gnomAD v4.1: 3 of 1,567,776 alleles (0.00019%); highest among the groups gnomAD compares: African/African-American, 0.0014%; no homozygotes.

Submission:

Labcorp Genetics (formerly Invitae), Labcorp
Classification: Uncertain significance. Last evaluated: 2021-12-31. Review status: criteria provided, single submitter. Criteria: Invitae Variant Classification Sherloc (09022015). Collection method: clinical testing. Allele origin: germline.
Comment: In summary, the available evidence is currently insufficient to determine the role of this variant in disease. Therefore, it has been classified as a Variant of Uncertain Significance. Algorithms developed to predict the effect of missense changes on protein structure and function output the following: SIFT: "Deleterious"; PolyPhen-2: "Benign"; Align-GVGD: "Class C0". The valine amino acid residue is found in multiple mammalian species, which suggests that this missense change does not adversely affect protein function. This variant has not been reported in the literature in individuals affected with COQ2-related conditions. The frequency data for this variant in the population databases is considered unreliable, as metrics indicate poor data quality at this position in the gnomAD database. This sequence change replaces alanine, which is neutral and non-polar, with valine, which is neutral and non-polar, at codon 34 of the COQ2 protein (p.Ala34Val).